The following is an entry in ClinVar:

NM_001356.5(DDX3X):c.1096G>T (p.Glu366Ter)

Gene: DDX3X (DEAD-box helicase 3 X-linked; plus strand). Cytogenetic location: Xp11.4.
Variant type: single nucleotide variant.
Coding change: c.1096G>T on transcript NM_001356.5 (MANE Select); coding-DNA position 1096, G replaced by T.
Protein change: p.Glu366Ter; replaces glutamic acid 366 with a stop codon.
Molecular consequence: nonsense. On other transcripts: non-coding transcript variant (1).
Genome position (GRCh38, 1-based): chrX:41,345,250, G>T. VCF-style: chrX-41345250-G-T. GRCh37 (hg19) VCF-style: chrX-41204503-G-T.
Other names: c.1096G>T, p.Glu366Ter (NM_001193416.3); c.1048G>T, p.Glu350Ter (NM_001193417.3); c.538G>T, p.Glu180Ter (NM_001363819.1); short protein forms E180*, E350*, E366*.
Identifiers: ClinVar variation 3342382 (VCV003342382.3).
Genomic context (GRCh38, chrX:41,345,250, plus strand): 5'-TTAGATGAAGCTGATCGGATGTTGGATATGGGGTTTGAGCCTCAGATTCGTAGAATAGTC[G>T]AACAAGATACTATGCCTCCAAAGGGTGTCCGCCACACTATGATGTTTAGTGCTACTTTTC-3'

ClinVar aggregate classification (germline): Pathogenic. Review status: criteria provided, multiple submitters, no conflicts (2 of 4 stars). 2 submissions from 2 submitters: Pathogenic (2). Last evaluated 2024-06-24.

Submissions (2):

Labcorp Genetics (formerly Invitae), Labcorp
Classification: Pathogenic. Last evaluated: 2024-06-24. Review status: criteria provided, single submitter. Criteria: Invitae Variant Classification Sherloc (09022015). Collection method: clinical testing. Allele origin: germline.
Comment: This sequence change creates a premature translational stop signal (p.Glu366*) in the DDX3X gene. It is expected to result in an absent or disrupted protein product. Loss-of-function variants in DDX3X are known to be pathogenic (PMID: 26235985). This variant is not present in population databases (gnomAD no frequency). This premature translational stop signal has been observed in individual(s) with DDX3X-related conditions (PMID: 33057194, 33504798, 35982159). Algorithms developed to predict the effect of sequence changes on RNA splicing suggest that this variant may disrupt the consensus splice site. For these reasons, this variant has been classified as Pathogenic.

GeneDx
Classification: Pathogenic. Last evaluated: 2023-07-11. Review status: criteria provided, single submitter. Criteria: GeneDx Variant Classification Process June 2021. Collection method: clinical testing. Allele origin: germline. Affected: yes.
Comment: Nonsense variant predicted to result in protein truncation or nonsense mediated decay in a gene for which loss of function is a known mechanism of disease; Not observed at significant frequency in large population cohorts (gnomAD); This variant is associated with the following publications: (PMID: 33504798)

Literature cited by the submitters: PubMed 26235985 (cited by Labcorp Genetics (formerly Invitae), Labcorp); PubMed 33057194 (cited by Labcorp Genetics (formerly Invitae), Labcorp); PubMed 33504798 (cited by Labcorp Genetics (formerly Invitae), Labcorp); PubMed 35982159 (cited by Labcorp Genetics (formerly Invitae), Labcorp).